The following is an entry in ClinVar:

ClinVar aggregate classification (germline): Uncertain significance (1 of 4 stars; one submission).

Submission:

GeneDx
Classification: Uncertain significance. Last evaluated: 2017-11-06. Review status: criteria provided, single submitter. Criteria: GeneDx Variant Classification (06012015). Collection method: clinical testing. Allele origin: germline. Affected: yes.
Comment: A variant of uncertain significance has been identified in the RYR2 gene. The P2364L variant has not been published as pathogenic or been reported as benign to our knowledge. This variant is not observed in large population cohorts (Lek et al., 2016). The P2364L variant is a semi-conservative amino acid substitution, which may impact secondary protein structure as these residues differ in some properties. This substitution occurs at a position that is conserved across species, and in silico analysis suggests this variant is probably damaging to the protein structure/function. The P2364L variant is located in one of the three hot-spot regions of the RYR2 gene, where the majority of pathogenic missense variants occur (Medeiros-Domingo et al., 2009). However, this variant lacks observation in a significant number of affected individuals, segregation data, and functional evidence, which would further clarify its pathogenicity.

NM_001035.3(RYR2):c.7091C>T (p.Pro2364Leu)

Gene: RYR2 (ryanodine receptor 2; plus strand). Cytogenetic location: 1q43.
Variant type: single nucleotide variant.
Coding change: c.7091C>T on transcript NM_001035.3 (MANE Select); coding-DNA position 7091, C replaced by T.
Protein change: p.Pro2364Leu; replaces proline 2364 with leucine.
Molecular consequence: missense variant.
Genome position (GRCh38, 1-based): chr1:237,639,177, C>T. VCF-style: chr1-237639177-C-T. GRCh37 (hg19) VCF-style: chr1-237802477-C-T.
Other names: c.7091C>T, p.Pro2364Leu (LRG_402t1); short protein forms P2364L.
Identifiers: ClinVar variation 453199 (VCV000453199.2), dbSNP rs771170452, ClinGen allele CA345396064.
Genomic context (GRCh38, chr1:237,639,177, plus strand): 5'-TTGCAGCAATGGAAGAAGCCATCAAAATCGCCGAGGATCCTTCCCGAGATGGTCCCTCAC[C>T]AAATAGCGGATCCAGTAAAACACTGTAGGTCTAATATACACACCCTCACGAGTGATCCAT-3'
Protein context (NP_001026.2, residues 2354-2374): AEDPSRDGPS[Pro2364Leu]NSGSSKTLDT